The following is an entry in ClinVar:

NM_001001557.4(GDF6):c.758A>T (p.Gln253Leu)

Gene: GDF6 (growth differentiation factor 6; minus strand). Cytogenetic location: 8q22.1.
Variant type: single nucleotide variant.
Coding change: c.758A>T on transcript NM_001001557.4 (MANE Select); coding-DNA position 758, A replaced by T.
Protein change: p.Gln253Leu; replaces glutamine 253 with leucine.
Molecular consequence: missense variant.
Genome position (GRCh38, 1-based): chr8:96,145,173, T>A on the plus strand (A>T on the coding strand, the complement: GDF6 is on the minus strand). VCF-style: chr8-96145173-T-A. GRCh37 (hg19) VCF-style: chr8-97157401-T-A.
Other names: short protein forms Q253L.
Identifiers: ClinVar variation 8375 (VCV000008375.9), dbSNP rs121909355, ClinGen allele CA119559.

ClinVar aggregate classification (germline): Uncertain significance. Review status: criteria provided, single submitter (1 of 4 stars). 2 submissions from 2 submitters: Uncertain significance (1). 1 of the submissions does not count toward it. Last evaluated 2026-01-12.

Conditions:
Microphthalmia, isolated, with coloboma 6 (MCOPCB6). Also called: Microphthalmia with coloboma 6, digenic; Microphthalmia with coloboma 6; MICROPHTHALMIA/COLOBOMA 6. Identifiers: Orphanet 98938, MedGen C3150968, MONDO:0013376, OMIM 613703.
Isolated microphthalmia 4. Identifiers: Orphanet 2542, MedGen C2751307, MONDO:0013130, OMIM 613094.
Klippel-Feil syndrome 1, autosomal dominant (KFS1). Also called: CERVICAL VERTEBRAL FUSION, AUTOSOMAL DOMINANT. Identifiers: Orphanet 2345, MedGen C1861689, MONDO:0007306, OMIM 118100.
Leber congenital amaurosis 17 (LCA17). Identifiers: Orphanet 65, MedGen C3715164, MONDO:0014145, OMIM 615360.

Allele frequency attached by ClinVar (database versions not stated): gnomAD exomes 0.00002; gnomAD below 0.00001; 1000 Genomes Project 30x 0.00031; ExAC 0.00017.
gnomAD v4.1: 6 of 1,499,556 alleles (0.0004%); highest among the groups gnomAD compares: South Asian, 0.0063%; no homozygotes.

Submissions (2):

Labcorp Genetics (formerly Invitae), Labcorp
Classification: Uncertain significance for Isolated microphthalmia 4; Leber congenital amaurosis 17; Klippel-Feil syndrome 1, autosomal dominant; Microphthalmia, isolated, with coloboma 6. Last evaluated: 2026-01-12. Review status: criteria provided, single submitter. Criteria: Invitae Variant Classification Sherloc (09022015). Collection method: clinical testing. Allele origin: germline.
Comment: This sequence change replaces glutamine, which is neutral and polar, with leucine, which is neutral and non-polar, at codon 253 of the GDF6 protein (p.Gln253Leu). This variant is present in population databases (rs121909355, gnomAD 0.01%). This missense change has been observed in individual(s) with microphthalmia (PMID: 19129173). ClinVar contains an entry for this variant (Variation ID: 8375). Invitae Evidence Modeling of protein sequence and biophysical properties (such as structural, functional, and spatial information, amino acid conservation, physicochemical variation, residue mobility, and thermodynamic stability) indicates that this missense variant is not expected to disrupt GDF6 protein function with a negative predictive value of 80%. In summary, the available evidence is currently insufficient to determine the role of this variant in disease. Therefore, it has been classified as a Variant of Uncertain Significance.

OMIM
Classification: Pathogenic for MICROPHTHALMIA, ISOLATED 4. Last evaluated: 2009-03-15. Review status: no assertion criteria provided. Collection method: literature only. Allele origin: germline. Not counted in ClinVar's aggregate classification.

Literature cited by the submitters: PubMed 19129173 (cited by Labcorp Genetics (formerly Invitae), Labcorp and OMIM).